The following is an entry in ClinVar:

NM_001365999.1(SZT2):c.7796C>G (p.Ser2599Cys)

Gene: SZT2 (SZT2 subunit of KICSTOR complex; plus strand). Cytogenetic location: 1p34.2.
Variant type: single nucleotide variant.
Coding change: c.7796C>G on transcript NM_001365999.1 (MANE Select); coding-DNA position 7796, C replaced by G.
Protein change: p.Ser2599Cys; replaces serine 2599 with cysteine.
Molecular consequence: missense variant.
Genome position (GRCh38, 1-based): chr1:43,442,053, C>G. VCF-style: chr1-43442053-C-G. GRCh37 (hg19) VCF-style: chr1-43907724-C-G.
Other names: c.7625C>G, p.Ser2542Cys (NM_015284.4); short protein forms S2542C, S2599C.
Identifiers: ClinVar variation 1501124 (VCV001501124.6), dbSNP rs776182115, ClinGen allele CA810339.

ClinVar aggregate classification (germline): Uncertain significance (1 of 4 stars; one submission).

Allele frequency attached by ClinVar (database versions not stated): gnomAD exomes below 0.00001 and 0.00001; ExAC 0.00002; gnomAD 0.00002 and 0.00003; TOPMed 0.00002.
gnomAD v4.1: 6 of 1,614,016 alleles (0.00037%); highest among the groups gnomAD compares: African/African-American, 0.0053%; no homozygotes.

Submission:

Labcorp Genetics (formerly Invitae), Labcorp
Classification: Uncertain significance. Last evaluated: 2022-08-15. Review status: criteria provided, single submitter. Criteria: Invitae Variant Classification Sherloc (09022015). Collection method: clinical testing. Allele origin: germline.
Comment: In summary, the available evidence is currently insufficient to determine the role of this variant in disease. Therefore, it has been classified as a Variant of Uncertain Significance. This sequence change replaces serine, which is neutral and polar, with cysteine, which is neutral and slightly polar, at codon 2542 of the SZT2 protein (p.Ser2542Cys). This variant is present in population databases (rs776182115, gnomAD 0.01%). This variant has not been reported in the literature in individuals affected with SZT2-related conditions. ClinVar contains an entry for this variant (Variation ID: 1501124). Algorithms developed to predict the effect of missense changes on protein structure and function (SIFT, PolyPhen-2, Align-GVGD) all suggest that this variant is likely to be tolerated. Algorithms developed to predict the effect of sequence changes on RNA splicing suggest that this variant may disrupt the consensus splice site.